The following is an entry in ClinVar:

ClinVar aggregate classification (germline): Uncertain significance (1 of 4 stars; one submission).

Conditions:
Cardiovascular phenotype. Identifiers: MedGen CN230736.

Allele frequency attached by ClinVar (database versions not stated): gnomAD exomes below 0.00001.

Submission:

Ambry Genetics
Classification: Uncertain significance for Cardiovascular phenotype. Last evaluated: 2023-04-20. Review status: criteria provided, single submitter. Criteria: Ambry Variant Classification Scheme 2023. Collection method: clinical testing. Allele origin: germline.
Comment: The c.-2C>T variant is located in the 5' untranslated region (5&rsquo;UTR) of the MYH7 gene. This variant results from a C to T substitution 2 nucleotides upstream from the first translated codon. This nucleotide position is well conserved in available vertebrate species. Since supporting evidence is limited at this time, the clinical significance of this alteration remains unclear.

NM_000257.4(MYH7):c.-2C>T

Gene: MYH7 (myosin heavy chain 7; minus strand). Cytogenetic location: 14q11.2.
Variant type: single nucleotide variant.
Coding change: c.-2C>T on transcript NM_000257.4 (MANE Select); 2 bases upstream of the start codon, C replaced by T.
Molecular consequence: 5 prime UTR variant.
Genome position (GRCh38, 1-based): chr14:23,433,734, G>A on the plus strand (C>T on the coding strand, the complement: MYH7 is on the minus strand). VCF-style: chr14-23433734-G-A. GRCh37 (hg19) VCF-style: chr14-23902943-G-A.
Other names: c.-2C>T (NM_001407004.1).
Identifiers: ClinVar variation 2563049 (VCV002563049.2), dbSNP rs2502323092, ClinGen allele CA485627211.